The following is an entry in ClinVar:

NM_018026.4(PACS1):c.2089G>C (p.Glu697Gln)

Gene: PACS1 (phosphofurin acidic cluster sorting protein 1; plus strand). Cytogenetic location: 11q13.2.
Variant type: single nucleotide variant.
Coding change: c.2089G>C on transcript NM_018026.4 (MANE Select); coding-DNA position 2089, G replaced by C.
Protein change: p.Glu697Gln; replaces glutamic acid 697 with glutamine.
Molecular consequence: missense variant.
Genome position (GRCh38, 1-based): chr11:66,234,227, G>C. VCF-style: chr11-66234227-G-C. GRCh37 (hg19) VCF-style: chr11-66001698-G-C.
Other names: short protein forms E697Q.
Identifiers: ClinVar variation 2665049 (VCV002665049.1), dbSNP rs201575137, ClinGen allele CA381374728.
Genomic context (GRCh38, chr11:66,234,227, plus strand): 5'-GACAGTAAATACAGTAGTTCCTTCCTGGATTCTGGTTGGAGAGATCTGTTCAGTCGCTCG[G>C]AGCCACCAGTGTCAGGTAATGGCCCCGTGTAAGGAGCTTACTCCCACCCCCGGGGTCCAC-3'
Protein context (NP_060496.2, residues 687-707): SGWRDLFSRS[Glu697Gln]PPVSEQLDVA

ClinVar aggregate classification (germline): Uncertain significance (1 of 4 stars; one submission).

Conditions:
Schuurs-Hoeijmakers syndrome. Also called: PACS1-Related Neurodevelopmental Disorder. Identifiers: Orphanet 329224, MedGen C3554343, MONDO:0014006, OMIM 615009.

gnomAD v4.1: 1 of 1,613,368 alleles (0.000062%); highest among the groups gnomAD compares: Non-Finnish European, 0.000085%; no homozygotes.

Submission:

New York Genome Center
Classification: Uncertain significance for Schuurs-Hoeijmakers syndrome. Last evaluated: 2023-08-01. Review status: criteria provided, single submitter. Criteria: NYGC Assertion Criteria 2020. Collection method: clinical testing. Allele origin: germline. Observed: 1 heterozygote.
Comment: The c.2089G>C variant in PACS1 has not previously been reported in the literature or public variant repositories (ClinVar and LOVD), and is absent from population databases (gnomAD v2.1.1 and v3.1.2, TOPMed Freeze 8, All of Us), suggesting it is not a common benign variant in the populations represented in those databases. The c.2089G>C variant in PACS1 is located in exon 17 of this 24-exon gene, and is predicted to replace an evolutionarily conserved glutamate amino acid with glutamine at position 697 (p.(Glu697Gln)) in the encoded protein. In silico predictions are inconclusive of the p.(Glu697Gln) variant's effect [CADD v1.6 = 24.3, REVEL = 0.267]; however, there are no functional studies to support or refute these predictions. Based on available evidence this c.2089G>C p.(Glu697Gln) variant identified in PACS1 is classified as a Variant of Uncertain Significance.